The following is an entry in ClinVar:

NM_000057.4(BLM):c.944C>T (p.Ser315Phe)

Gene: BLM (BLM RecQ like helicase; plus strand). Cytogenetic location: 15q26.1.
Variant type: single nucleotide variant.
Coding change: c.944C>T on transcript NM_000057.4 (MANE Select); coding-DNA position 944, C replaced by T.
Protein change: p.Ser315Phe; replaces serine 315 with phenylalanine.
Molecular consequence: missense variant. On other transcripts: 5 prime UTR variant (1).
Genome position (GRCh38, 1-based): chr15:90,751,931, C>T. VCF-style: chr15-90751931-C-T. GRCh37 (hg19) VCF-style: chr15-91295161-C-T.
Other names: c.944C>T (NM_000057.2); c.944C>T, p.Ser315Phe (NM_001287246.2, NM_001287247.2); c.-348C>T (NM_001287248.2); short protein forms S315F.
Identifiers: ClinVar variation 960975 (VCV000960975.11), dbSNP rs1895698325, ClinGen allele CA393841933.

ClinVar aggregate classification (germline): Uncertain significance. Review status: criteria provided, multiple submitters, no conflicts (2 of 4 stars). 2 submissions from 2 submitters: Uncertain significance (2). Last evaluated 2024-09-02.

Conditions:
Hereditary cancer-predisposing syndrome. Also called: Tumor predisposition; Hereditary neoplastic syndrome; Neoplastic Syndromes, Hereditary; Hereditary Cancer Syndrome. Identifiers: Orphanet 140162, MedGen C0027672, MeSH D009386, MONDO:0015356.
Bloom syndrome (BLM). Also called: Bloom-Torre-Machacek syndrome. Identifiers: Orphanet 125, MedGen C0005859, MONDO:0008876, OMIM 210900.

Submissions (2):

Ambry Genetics
Classification: Uncertain significance for Hereditary cancer-predisposing syndrome. Last evaluated: 2024-09-02. Review status: criteria provided, single submitter. Criteria: Ambry Variant Classification Scheme 2023. Collection method: clinical testing. Allele origin: germline.
Comment: The p.S315F variant (also known as c.944C>T), located in coding exon 3 of the BLM gene, results from a C to T substitution at nucleotide position 944. The serine at codon 315 is replaced by phenylalanine, an amino acid with highly dissimilar properties. This amino acid position is conserved. In addition, this alteration is predicted to be tolerated by in silico analysis. Based on the available evidence, the clinical significance of this variant remains unclear.

Labcorp Genetics (formerly Invitae), Labcorp
Classification: Uncertain significance for Bloom syndrome. Last evaluated: 2019-10-22. Review status: criteria provided, single submitter. Criteria: Invitae Variant Classification Sherloc (09022015). Collection method: clinical testing. Allele origin: germline.
Comment: In summary, the available evidence is currently insufficient to determine the role of this variant in disease. Therefore, it has been classified as a Variant of Uncertain Significance. Algorithms developed to predict the effect of missense changes on protein structure and function are either unavailable or do not agree on the potential impact of this missense change (SIFT: "Deleterious"; PolyPhen-2: "Benign"; Align-GVGD: "Class C0"). This variant has not been reported in the literature in individuals with BLM-related conditions. This variant is not present in population databases (ExAC no frequency). This sequence change replaces serine with phenylalanine at codon 315 of the BLM protein (p.Ser315Phe). The serine residue is moderately conserved and there is a large physicochemical difference between serine and phenylalanine.